The following is an entry in ClinVar:

ClinVar aggregate classification (germline): Uncertain significance (1 of 4 stars; one submission).

gnomAD v4.1: 5 of 1,613,996 alleles (0.00031%); highest among the groups gnomAD compares: Non-Finnish European, 0.00042%; no homozygotes.

Submission:

GeneDx
Classification: Uncertain significance. Last evaluated: 2026-02-12. Review status: criteria provided, single submitter. Criteria: GeneDx Variant Classification Process June 2021. Collection method: clinical testing. Allele origin: germline.
Comment: Not observed at significant frequency in large population cohorts (gnomAD); In silico analysis supports that this missense variant has a deleterious effect on protein structure/function; Has not been previously published as pathogenic or benign to our knowledge

NM_012064.4(MIP):c.43G>C (p.Ala15Pro)

Gene: MIP (major intrinsic protein of lens fiber; minus strand). Cytogenetic location: 12q13.3.
Variant type: single nucleotide variant.
Coding change: c.43G>C on transcript NM_012064.4 (MANE Select); coding-DNA position 43, G replaced by C.
Protein change: p.Ala15Pro; replaces alanine 15 with proline.
Molecular consequence: missense variant.
Genome position (GRCh38, 1-based): chr12:56,454,571, C>G on the plus strand (G>C on the coding strand, the complement: MIP is on the minus strand). VCF-style: chr12-56454571-C-G. GRCh37 (hg19) VCF-style: chr12-56848355-C-G.
Other names: short protein forms A15P.
Identifiers: ClinVar variation 4976496 (VCV004976496.1).